The following is an entry in ClinVar:

ClinVar aggregate classification (germline): Uncertain significance (1 of 4 stars; one submission).

Conditions:
Cardiovascular phenotype. Identifiers: MedGen CN230736.

gnomAD v4.1: 2 of 1,601,120 alleles (0.00012%); highest among the groups gnomAD compares: Non-Finnish European, 0.00017%; no homozygotes.

Submission:

Ambry Genetics
Classification: Uncertain significance for Cardiovascular phenotype. Last evaluated: 2026-08-21. Review status: criteria provided, single submitter. Criteria: Ambry Variant Classification Scheme 2023. Collection method: clinical testing. Allele origin: germline.
Comment: The p.P963S variant (also known as c.2887C>T), located in coding exon 12 of the KCNH2 gene, results from a C to T substitution at nucleotide position 2887. The proline at codon 963 is replaced by serine, an amino acid with similar properties. This amino acid position is well conserved in available vertebrate species. In addition, the in silico prediction for this alteration is inconclusive. Based on the available evidence, the clinical significance of this variant remains unclear.

NM_000238.4(KCNH2):c.2887C>T (p.Pro963Ser)

Gene: KCNH2 (potassium voltage-gated channel subfamily H member 2; minus strand). Cytogenetic location: 7q36.1.
Variant type: single nucleotide variant.
Coding change: c.2887C>T on transcript NM_000238.4 (MANE Select); coding-DNA position 2887, C replaced by T.
Protein change: p.Pro963Ser; replaces proline 963 with serine.
Molecular consequence: missense variant. On other transcripts: non-coding transcript variant (2).
Genome position (GRCh38, 1-based): chr7:150,947,684, G>A on the plus strand (C>T on the coding strand, the complement: KCNH2 is on the minus strand). VCF-style: chr7-150947684-G-A. GRCh37 (hg19) VCF-style: chr7-150644772-G-A.
Other names: c.2599C>T, p.Pro867Ser (NM_001406753.1); c.1867C>T, p.Pro623Ser (NM_172057.3); short protein forms P623S, P963S, P867S.
Identifiers: ClinVar variation 5022986 (VCV005022986.1).